The following is an entry in ClinVar:

ClinVar aggregate classification (germline): Pathogenic (1 of 4 stars; one submission).

Conditions:
Progressive external ophthalmoplegia. Also called: Ophthalmoplegia, Chronic Progressive External; Chronic Progressive External Ophthalmoplegia (CPEO). Identifiers: Orphanet 520820, MedGen C0162674, MeSH D017246, MONDO:0005181, HP:0000590.

Submission:

Key Laboratory of Laboratory Medicine, Ministry of Education, Wenzhou Medical University
Classification: Pathogenic for Progressive external ophthalmoplegia. Last evaluated: 2024-03-01. Review status: criteria provided, single submitter. Criteria: ACMG Guidelines, 2015. Collection method: research, in vitro. Allele origin: de novo, not applicable. Affected: yes. Observed: 1 variant allele. Functional consequence: loss_of_function_variant.
Comment: PS2+PS3+PM2(ACMG Guidelines, 2015)

NC_012920.1(MT-TI):m.4275G>A

Gene: MT-TI (mitochondrially encoded tRNA isoleucine; plus strand).
Variant type: single nucleotide variant.
Genome position: chrM-4275-G-A.
Identifiers: ClinVar variation 3255383 (VCV003255383.3).